The following is an entry in ClinVar:

ClinVar aggregate classification (germline): Uncertain significance. Review status: criteria provided, multiple submitters, no conflicts (2 of 4 stars). 2 submissions from 2 submitters: Uncertain significance (2). Last evaluated 2024-04-18.

Allele frequency attached by ClinVar (database versions not stated): gnomAD 0.00001; gnomAD exomes 0.00001; TOPMed 0.00002.
gnomAD v4.1: 7 of 1,613,972 alleles (0.00043%); highest among the groups gnomAD compares: African/African-American, 0.0013%; no homozygotes.

Submissions (2):

Blueprint Genetics
Classification: Uncertain significance. Last evaluated: 2024-04-18. Review status: criteria provided, single submitter. Criteria: ACMG Guidelines, 2015. Collection method: clinical testing. Allele origin: germline.

Women's Health and Genetics/Laboratory Corporation of America, LabCorp
Classification: Uncertain significance. Last evaluated: 2024-02-13. Review status: criteria provided, single submitter. Criteria: LabCorp Variant Classification Summary - May 2015. Collection method: clinical testing. Allele origin: germline.
Comment: Variant summary: HESX1 c.152C>T (p.Ser51Leu) results in a non-conservative amino acid change in the encoded protein sequence. Four of five in-silico tools predict a benign effect of the variant on protein function. The variant was absent in 251344 control chromosomes. The available data on variant occurrences in the general population are insufficient to allow any conclusion about variant significance. To our knowledge, no occurrence of c.152C>T in individuals affected with HESX1-Related Disorders and no experimental evidence demonstrating its impact on protein function have been reported. No submitters have cited clinical-significance assessments for this variant to ClinVar. Based on the evidence outlined above, the variant was classified as uncertain significance.

NM_003865.3(HESX1):c.152C>T (p.Ser51Leu)

Gene: HESX1 (HESX homeobox 1; minus strand). Cytogenetic location: 3p14.3.
Variant type: single nucleotide variant.
Coding change: c.152C>T on transcript NM_003865.3 (MANE Select); coding-DNA position 152, C replaced by T.
Protein change: p.Ser51Leu; replaces serine 51 with leucine.
Molecular consequence: missense variant.
Genome position (GRCh38, 1-based): chr3:57,199,767, G>A on the plus strand (C>T on the coding strand, the complement: HESX1 is on the minus strand). VCF-style: chr3-57199767-G-A. GRCh37 (hg19) VCF-style: chr3-57233795-G-A.
Other names: c.152C>T, p.Ser51Leu (NM_001376058.1, NM_001376059.1, NM_001376060.1 and 1 more transcripts); short protein forms S51L.
Identifiers: ClinVar variation 3069014 (VCV003069014.3), dbSNP rs2060473006, ClinGen allele CA353401922.